The following is an entry in ClinVar:

NM_001277115.2(DNAH11):c.13240dup (p.Thr4414fs)

Gene: DNAH11 (dynein axonemal heavy chain 11; plus strand). Cytogenetic location: 7p15.3.
Variant type: Duplication.
Coding change: c.13240dup on transcript NM_001277115.2 (MANE Select); coding-DNA position 13240, one base duplicated (A; older notation c.13240dupA).
Protein change: p.Thr4414fs; shifts the reading frame from threonine 4414.
Molecular consequence: frameshift variant.
Genome position (GRCh38, 1-based): chr7:21,900,057, A duplicated; the last of 7 consecutive A bases (chr7:21,900,051-21,900,057); duplicating any one gives the same sequence. VCF-style (leftmost placement, unchanged base first): chr7-21900050-C-CA. GRCh37 (hg19) VCF-style: chr7-21939668-C-CA.
Other names: short protein forms T4414fs.
Identifiers: ClinVar variation 651667 (VCV000651667.12), dbSNP rs759332741, ClinGen allele CA155113174.
Genomic context (GRCh38, chr7:21,900,050, plus strand): 5'-GACGATGGCTCGAAAAAATGAGTGGCCCCTGGATAAAACGCGCTTGACTGCTGATGTTAC[C>CA]AAAAAAACAAAGGAAGATTATGGACACCCGCCAAGGGAAGGTGCATACCTCCACGGACTC-3'

ClinVar aggregate classification (germline): Pathogenic/Likely pathogenic. Review status: criteria provided, multiple submitters, no conflicts (2 of 4 stars). 3 submissions from 3 submitters: Pathogenic (2); Likely pathogenic (1). Last evaluated 2024-09-18.

Conditions:
DNAH11-related disorders.
Primary ciliary dyskinesia. Also called: Ciliary dyskinesia. Identifiers: Orphanet 244, MedGen C0008780, MONDO:0016575, HP:0012265.

Submissions (3):

Blueprint Genetics
Classification: Likely pathogenic for DNAH11-related disorders. Last evaluated: 2024-09-18. Review status: criteria provided, single submitter. Criteria: ACMG Guidelines, 2015. Collection method: clinical testing. Allele origin: germline. Affected: yes. Observed: 1 variant allele.

Labcorp Genetics (formerly Invitae), Labcorp
Classification: Pathogenic for Primary ciliary dyskinesia. Last evaluated: 2023-11-05. Review status: criteria provided, single submitter. Criteria: Invitae Variant Classification Sherloc (09022015). Collection method: clinical testing. Allele origin: germline.
Comment: This sequence change creates a premature translational stop signal (p.Thr4414Asnfs*34) in the DNAH11 gene. While this is not anticipated to result in nonsense mediated decay, it is expected to disrupt the last 103 amino acid(s) of the DNAH11 protein. This variant is not present in population databases (gnomAD no frequency). This premature translational stop signal has been observed in individual(s) with primary ciliary dyskinesia (PMID: 29467202). ClinVar contains an entry for this variant (Variation ID: 651667). This variant disrupts a region of the DNAH11 protein in which other variant(s) (p.Ser4498Argfs*15, p.Trp4505Serfs*10) have been determined to be pathogenic (Invitae). This suggests that this is a clinically significant region of the protein, and that variants that disrupt it are likely to be disease-causing. For these reasons, this variant has been classified as Pathogenic.

Ambry Genetics
Classification: Pathogenic for Primary ciliary dyskinesia. Last evaluated: 2015-09-08. Review status: criteria provided, single submitter. Criteria: Ambry Variant Classification Scheme 2023. Collection method: clinical testing. Allele origin: germline.
Comment: The c.13240dupA pathogenic mutation, located in coding exon 81 of the DNAH11 gene, results from a duplication of A at nucleotide position 13240, causing a translational frameshift with a predicted alternate stop codon. Since frameshifts are typically deleterious in nature, this alteration is interpreted as a disease-causing mutation (ACMG Recommendations for Standards for Interpretation and Reporting of Sequence Variations. Revision 2007. Genet Med. 2008;10:294).

Literature cited by the submitters: PubMed 29467202 (cited by Labcorp Genetics (formerly Invitae), Labcorp).